The following is an entry in ClinVar:

NM_153676.4(USH1C):c.1471G>A (p.Glu491Lys)

Gene: USH1C (USH1 protein network component harmonin; minus strand). Cytogenetic location: 11p15.1.
Variant type: single nucleotide variant.
Coding change: c.1471G>A on transcript NM_153676.4 (MANE Select); coding-DNA position 1471, G replaced by A.
Protein change: p.Glu491Lys; replaces glutamic acid 491 with lysine.
Molecular consequence: missense variant. On other transcripts: intron variant (2).
Genome position (GRCh38, 1-based): chr11:17,510,464, C>T on the plus strand (G>A on the coding strand, the complement: USH1C is on the minus strand). VCF-style: chr11-17510464-C-T. GRCh37 (hg19) VCF-style: chr11-17532011-C-T.
Other names: c.1227+6937G>A (NM_001297764.2); c.1284+6937G>A (NM_005709.4); short protein forms E491K.
Identifiers: ClinVar variation 2502101 (VCV002502101.1), dbSNP rs755287655, ClinGen allele CA5904544.

ClinVar aggregate classification (germline): Uncertain significance (1 of 4 stars; one submission).

Allele frequency attached by ClinVar (database versions not stated): gnomAD exomes 0.00001; TOPMed 0.00001; ExAC 0.00003.
gnomAD v4.1: 8 of 1,613,528 alleles (0.0005%); highest among the groups gnomAD compares: Admixed American, 0.013%; no homozygotes.

Submission:

GeneDx
Classification: Uncertain significance. Last evaluated: 2022-11-15. Review status: criteria provided, single submitter. Criteria: GeneDx Variant Classification Process June 2021. Collection method: clinical testing. Allele origin: germline. Affected: yes.
Comment: In silico analysis supports that this variant does not alter splicing; Has not been previously published as pathogenic or benign to our knowledge